The following is an entry in ClinVar:

NM_013251.4(TAC3):c.269T>C (p.Met90Thr)

Gene: TAC3 (tachykinin precursor 3; minus strand). Cytogenetic location: 12q13.3.
Variant type: single nucleotide variant.
Coding change: c.269T>C on transcript NM_013251.4 (MANE Select); coding-DNA position 269, T replaced by C.
Protein change: p.Met90Thr; replaces methionine 90 with threonine.
Molecular consequence: missense variant. On other transcripts: non-coding transcript variant (3), intron variant (1).
Genome position (GRCh38, 1-based): chr12:57,012,845, A>G on the plus strand (T>C on the coding strand, the complement: TAC3 is on the minus strand). VCF-style: chr12-57012845-A-G. GRCh37 (hg19) VCF-style: chr12-57406629-A-G.
Other names: c.239-393T>C (NM_001178054.2); short protein forms M90T.
Identifiers: ClinVar variation 14027 (VCV000014027.1), dbSNP rs121918123, ClinGen allele CA130195.

ClinVar aggregate classification (germline): Pathogenic. Review status: no assertion criteria provided (0 of 4 stars). 2 submissions from 2 submitters: Pathogenic (1). 1 of the submissions does not count toward it. Last evaluated 2009-03-01.

Conditions:
HYPOGONADOTROPIC HYPOGONADISM 10 WITHOUT ANOSMIA. Identifiers: MedGen C4016274.

Allele frequency attached by ClinVar (database versions not stated): gnomAD 0.00001; TOPMed 0.00001; gnomAD exomes 0.00001.
gnomAD v4.1: 9 of 1,614,048 alleles (0.00056%); highest among the groups gnomAD compares: Non-Finnish European, 0.00076%; no homozygotes.

Submissions (2):

OMIM
Classification: Pathogenic for HYPOGONADOTROPIC HYPOGONADISM 10 WITHOUT ANOSMIA. Last evaluated: 2009-03-01. Review status: no assertion criteria provided. Collection method: literature only. Allele origin: germline.

UniProtKB/Swiss-Prot
No classification provided. Review status: no classification provided. Collection method: not provided. Allele origin: unknown. Not counted in ClinVar's aggregate classification.
Comment: The mutant protein has markedly reduced activity

Literature cited by the submitters: PubMed 19079066 (cited by OMIM).